The following is an entry in ClinVar:

NM_001348768.2(HECW2):c.43C>T (p.Arg15Ter)

Gene: HECW2 (HECT, C2 and WW domain containing E3 ubiquitin protein ligase 2; minus strand). Cytogenetic location: 2q32.3.
Variant type: single nucleotide variant.
Coding change: c.43C>T on transcript NM_001348768.2 (MANE Select); coding-DNA position 43, C replaced by T.
Protein change: p.Arg15Ter; replaces arginine 15 with a stop codon.
Molecular consequence: nonsense.
Genome position (GRCh38, 1-based): chr2:196,433,381, G>A on the plus strand (C>T on the coding strand, the complement: HECW2 is on the minus strand). VCF-style: chr2-196433381-G-A. GRCh37 (hg19) VCF-style: chr2-197298105-G-A.
Other names: c.43C>T, p.Arg15Ter (NM_020760.4); short protein forms R15*.
Identifiers: ClinVar variation 3359306 (VCV003359306.3).
Genomic context (GRCh38, chr2:196,433,381, plus strand): 5'-TCTGGGCGGCAAGGCTCTGGAGGTTCTCTGGGCTCAATGTGTACCGCATCTGGGGATTTC[G>A]ACGCCTCACAAAAAGCAGGTGCTCCCGGGCTGAACTAGCCATCCCGTCTGCTTCTCTGGG-3'

ClinVar aggregate classification (germline): Uncertain significance. Review status: criteria provided, multiple submitters, no conflicts (2 of 4 stars). 2 submissions from 2 submitters: Uncertain significance (2). Last evaluated 2024-11-19.

gnomAD v4.1: 3 of 1,613,964 alleles (0.00019%); highest among the groups gnomAD compares: Admixed American, 0.0033%; no homozygotes.

Submissions (2):

Dasa
Classification: Uncertain significance. Last evaluated: 2024-11-19. Review status: criteria provided, single submitter. Criteria: DASA Assertion Criteria. Collection method: clinical testing. Allele origin: germline.
Comment: NM_001348768.2(HECW2):c.43C>T (p.Arg15*) is a nonsense variant in HECW2 predicted to introduce a premature termination codon. This variant is absent from population databases. The currently available literature and clinical evidence are not sufficient to establish a definitive association between this variant and the reported condition. Therefore, this variant is classified as a variant of uncertain significance.

GeneDx
Classification: Uncertain significance. Last evaluated: 2023-06-04. Review status: criteria provided, single submitter. Criteria: GeneDx Variant Classification Process June 2021. Collection method: clinical testing. Allele origin: germline. Affected: yes.
Comment: Nonsense variant predicted to result in protein truncation or nonsense mediated decay in a gene or region of a gene for which loss of function is not a well-established mechanism of disease; Has not been previously published as pathogenic or benign to our knowledge